The following is an entry in ClinVar:

ClinVar aggregate classification (germline): Conflicting classifications of pathogenicity. Review status: criteria provided, conflicting classifications (1 of 4 stars). 8 submissions from 8 submitters: Uncertain significance (2); Benign (2); Likely benign (4). Last evaluated 2026-08-01.

Conditions:
Autosomal recessive nonsyndromic hearing loss 35. Identifiers: Orphanet 90636, MedGen C1837857, MONDO:0012060, OMIM 608565.

Allele frequency attached by ClinVar (database versions not stated): 1000 Genomes Project 0.00339; gnomAD 0.00354 and 0.00353; gnomAD exomes 0.00461 and 0.00318; ExAC 0.00353; TOPMed 0.00392; 1000 Genomes Project 30x 0.00328; ESP Exome Variant Server 0.00369.
gnomAD v4.1: 7,267 of 1,613,894 alleles (0.45%); highest among the groups gnomAD compares: Non-Finnish European, 0.55%; 28 homozygotes.

Submissions (8):

CeGaT Center for Human Genetics Tuebingen
Classification: Likely benign. Last evaluated: 2026-08-01. Review status: criteria provided, single submitter. Criteria: CeGaT Center For Human Genetics Tuebingen Variant Classification Criteria Version 2. Collection method: clinical testing. Allele origin: germline. Affected: yes. Observed: 7 variant alleles.
Comment: ESRRB: BP4, BS2

Labcorp Genetics (formerly Invitae), Labcorp
Classification: Likely benign. Last evaluated: 2026-01-25. Review status: criteria provided, single submitter. Criteria: Invitae Variant Classification Sherloc (09022015). Collection method: clinical testing. Allele origin: germline.

Blueprint Genetics
Classification: Likely benign. Last evaluated: 2024-11-27. Review status: criteria provided, single submitter. Criteria: ACMG Guidelines, 2015. Collection method: clinical testing. Allele origin: germline.

ARUP Laboratories, Molecular Genetics and Genomics, ARUP Laboratories
Classification: Likely benign for Autosomal recessive nonsyndromic hearing loss 35. Last evaluated: 2022-02-03. Review status: criteria provided, single submitter. Criteria: ARUP Molecular Germline Variant Investigation Process 2021. Collection method: clinical testing. Allele origin: germline.

Illumina Laboratory Services, Illumina
Classification: Uncertain significance for Autosomal recessive nonsyndromic hearing loss 35. Last evaluated: 2018-01-12. Review status: criteria provided, single submitter. Criteria: ICSL Variant Classification Criteria 13 December 2019. Collection method: clinical testing. Allele origin: germline.

Eurofins Ntd Llc (ga)
Classification: Benign. Last evaluated: 2017-07-17. Review status: criteria provided, single submitter. Criteria: EGL Classification Definitions 2015. Collection method: clinical testing. Allele origin: germline. Observed: 1 variant allele, 1 heterozygote.

GeneDx
Classification: Uncertain significance. Last evaluated: 2017-07-07. Review status: criteria provided, single submitter. Criteria: GeneDx Variant Classification (06012015). Collection method: clinical testing. Allele origin: germline. Affected: yes.
Comment: The F456L variant in the ESRRB gene has not been reported previously as a pathogenic variant, nor as a benign variant, to our knowledge. The F456L variant is observed in 58/10360 (0.56%) alleles from individuals of Latino background and in 306/61610 (0.50%) alleles from individuals of non-Finnish European background including 2 homozygous individuals, in the ExAC dataset (Lek et al., 2016). The F456L variant is a conservative amino acid substitution, which is not likely to impact secondary protein structure as these residues share similar properties. This substitution occurs at a position that is not conserved. In silico analysis predicts this variant likely does not alter the protein structure/function. We interpret F456L as a variant of uncertain significance.

Laboratory for Molecular Medicine, Mass General Brigham Personalized Medicine
Classification: Benign. Last evaluated: 2013-05-31. Review status: criteria provided, single submitter. Criteria: LMM Criteria. Collection method: clinical testing. Allele origin: germline. Observed: 12 variant alleles.
Comment: Phe456Leu in Exon 10 of ESRRB: This variant is not expected to have clinical sig nificance because it has been identified in 0.5% (32/7020) of European American chromosomes from a broad population by the NHLBI Exome Sequencing Project and in 0.5% (12/2178) of chromosomes by the 1000 Genome Project (dbSNP rs188462546).

NM_001379180.1(ESRRB):c.*1474T>C

Gene: ESRRB (estrogen related receptor beta; plus strand). Cytogenetic location: 14q24.3.
Variant type: single nucleotide variant.
Coding change: c.*1474T>C on transcript NM_001379180.1 (MANE Select); 1474 bases downstream of the stop codon, T replaced by C.
Molecular consequence: 3 prime UTR variant. On other transcripts: missense variant (1).
Genome position (GRCh38, 1-based): chr14:76,499,932, T>C. VCF-style: chr14-76499932-T-C. GRCh37 (hg19) VCF-style: chr14-76966275-T-C.
Other names: c.1366T>C, p.Phe456Leu (NM_004452.4); short protein forms F456L.
Identifiers: ClinVar variation 44997 (VCV000044997.70), dbSNP rs188462546, ClinGen allele CA135413.